The following is an entry in ClinVar:

ClinVar aggregate classification (germline): Uncertain significance. Review status: criteria provided, multiple submitters, no conflicts (2 of 4 stars). 2 submissions from 2 submitters: Uncertain significance (2). Last evaluated 2023-08-23.

Allele frequency attached by ClinVar (database versions not stated): gnomAD 0.00002 and 0.00003; gnomAD exomes 0.00003; TOPMed 0.00003.
gnomAD v4.1: 53 of 1,613,712 alleles (0.0033%); highest among the groups gnomAD compares: Non-Finnish European, 0.0041%; no homozygotes.

Submissions (2):

Labcorp Genetics (formerly Invitae), Labcorp
Classification: Uncertain significance. Last evaluated: 2023-08-23. Review status: criteria provided, single submitter. Criteria: Invitae Variant Classification Sherloc (09022015). Collection method: clinical testing. Allele origin: germline.
Comment: This sequence change replaces glycine, which is neutral and non-polar, with serine, which is neutral and polar, at codon 1931 of the ABCA4 protein (p.Gly1931Ser). In summary, the available evidence is currently insufficient to determine the role of this variant in disease. Therefore, it has been classified as a Variant of Uncertain Significance. Advanced modeling of protein sequence and biophysical properties (such as structural, functional, and spatial information, amino acid conservation, physicochemical variation, residue mobility, and thermodynamic stability) has been performed at Invitae for this missense variant, however the output from this modeling did not meet the statistical confidence thresholds required to predict the impact of this variant on ABCA4 protein function. ClinVar contains an entry for this variant (Variation ID: 866996). This variant has not been reported in the literature in individuals affected with ABCA4-related conditions. This variant is present in population databases (rs757462382, gnomAD 0.006%).

Blueprint Genetics
Classification: Uncertain significance. Last evaluated: 2020-02-05. Review status: criteria provided, single submitter. Criteria: ACMG Guidelines, 2015. Collection method: clinical testing. Allele origin: germline.

NM_000350.3(ABCA4):c.5791G>A (p.Gly1931Ser)

Gene: ABCA4 (ATP binding cassette subfamily A member 4; minus strand). Cytogenetic location: 1p22.1.
Variant type: single nucleotide variant.
Coding change: c.5791G>A on transcript NM_000350.3 (MANE Select); coding-DNA position 5791, G replaced by A.
Protein change: p.Gly1931Ser; replaces glycine 1931 with serine.
Molecular consequence: missense variant.
Genome position (GRCh38, 1-based): chr1:94,008,795, C>T on the plus strand (G>A on the coding strand, the complement: ABCA4 is on the minus strand). VCF-style: chr1-94008795-C-T. GRCh37 (hg19) VCF-style: chr1-94474351-C-T.
Other names: c.5569G>A, p.Gly1857Ser (NM_001425324.1); short protein forms G1931S, G1857S.
Identifiers: ClinVar variation 866996 (VCV000866996.3), dbSNP rs757462382, ClinGen allele CA26837296.
Genomic context (GRCh38, chr1:94,008,795, plus strand): 5'-ATACCCATTCCCTTACCTTGGTTAGTTCATGTAGCCTTAAGATGTCAGTTTTATTTCCAC[C>T]AGTAATAATTCTTTGTCTTTCTTCAGCCACATCATCATCTTCATCAACAATGGGCTCCTT-3'
Protein context (NP_000341.2, residues 1921-1941): VAEERQRIIT[Gly1931Ser]GNKTDILRLH